The following is an entry in ClinVar:

ClinVar aggregate classification (germline): Uncertain significance (1 of 4 stars; one submission).

Allele frequency attached by ClinVar (database versions not stated): gnomAD exomes below 0.00001.
gnomAD v4.1: 3 of 1,210,565 alleles (0.00025%); highest among the groups gnomAD compares: Non-Finnish European, 0.00034%; no homozygotes.

Submission:

GeneDx
Classification: Uncertain significance. Last evaluated: 2022-06-19. Review status: criteria provided, single submitter. Criteria: GeneDx Variant Classification Process June 2021. Collection method: clinical testing. Allele origin: germline. Affected: yes.
Comment: Not observed at significant frequency in large population cohorts (gnomAD); In silico analysis supports that this missense variant does not alter protein structure/function; Has not been previously published as pathogenic or benign to our knowledge

NM_001379451.1(BCORL1):c.1438G>A (p.Val480Ile)

Gene: BCORL1 (BCL6 corepressor like 1; plus strand). Cytogenetic location: Xq26.1.
Variant type: single nucleotide variant.
Coding change: c.1438G>A on transcript NM_001379451.1 (MANE Select); coding-DNA position 1438, G replaced by A.
Protein change: p.Val480Ile; replaces valine 480 with isoleucine.
Molecular consequence: missense variant.
Genome position (GRCh38, 1-based): chrX:130,014,210, G>A. VCF-style: chrX-130014210-G-A. GRCh37 (hg19) VCF-style: chrX-129148186-G-A.
Other names: c.1438G>A, p.Val480Ile (NM_001184772.3, NM_001379450.1, NM_021946.5); short protein forms V480I.
Identifiers: ClinVar variation 1806535 (VCV001806535.1), dbSNP rs2522661578, ClinGen allele CA414582865.